The following is an entry in ClinVar:

NM_001903.5(CTNNA1):c.2675A>C (p.Asn892Thr)

Gene: CTNNA1 (catenin alpha 1; plus strand). Cytogenetic location: 5q31.2.
Variant type: single nucleotide variant.
Coding change: c.2675A>C on transcript NM_001903.5 (MANE Select); coding-DNA position 2675, A replaced by C.
Protein change: p.Asn892Thr; replaces asparagine 892 with threonine.
Molecular consequence: missense variant. On other transcripts: 3 prime UTR variant (5).
Genome position (GRCh38, 1-based): chr5:138,934,043, A>C. VCF-style: chr5-138934043-A-C. GRCh37 (hg19) VCF-style: chr5-138269732-A-C.
Other names: c.2366A>C, p.Asn789Thr (NM_001290309.3); c.2306A>C, p.Asn769Thr (NM_001290310.3); c.1565A>C, p.Asn522Thr (NM_001290312.1, NM_001323987.1, NM_001323998.1 and 12 more transcripts); c.2675A>C, p.Asn892Thr (NM_001323982.2, NM_001323983.1, NM_001323984.2); c.2648A>C, p.Asn883Thr (NM_001323985.2); c.2582A>C, p.Asn861Thr (NM_001323986.2); c.*220A>C (NM_001290307.3, NM_001324003.1, NM_001324004.1 and 2 more transcripts); c.1226A>C, p.Asn409Thr (NM_001324006.1, NM_001324007.1, NM_001324008.1 and 2 more transcripts); and 3 more; short protein forms N861T, N441T, N769T, N477T, N491T, N789T, N883T, N409T.
Identifiers: ClinVar variation 2701754 (VCV002701754.3), dbSNP rs2533957472, ClinGen allele CA361135746.

ClinVar aggregate classification (germline): Uncertain significance (1 of 4 stars; one submission).

Submission:

Labcorp Genetics (formerly Invitae), Labcorp
Classification: Uncertain significance. Last evaluated: 2023-12-09. Review status: criteria provided, single submitter. Criteria: Invitae Variant Classification Sherloc (09022015). Collection method: clinical testing. Allele origin: germline.
Comment: This sequence change replaces asparagine, which is neutral and polar, with threonine, which is neutral and polar, at codon 892 of the CTNNA1 protein (p.Asn892Thr). This variant is not present in population databases (gnomAD no frequency). This variant has not been reported in the literature in individuals affected with CTNNA1-related conditions. Advanced modeling of protein sequence and biophysical properties (such as structural, functional, and spatial information, amino acid conservation, physicochemical variation, residue mobility, and thermodynamic stability) performed at Invitae indicates that this missense variant is not expected to disrupt CTNNA1 protein function with a negative predictive value of 80%. In summary, the available evidence is currently insufficient to determine the role of this variant in disease. Therefore, it has been classified as a Variant of Uncertain Significance.